The following is an entry in ClinVar:

ClinVar aggregate classification (germline): Conflicting classifications of pathogenicity. Review status: criteria provided, conflicting classifications (1 of 4 stars). 2 submissions from 2 submitters: Uncertain significance (1); Likely benign (1). Last evaluated 2024-09-01.

Conditions:
Hereditary spastic paraplegia 11. Also called: SPASTIC PARAPLEGIA, AUTOSOMAL RECESSIVE, COMPLICATED, WITH THIN CORPUS CALLOSUM; SPASTIC PARAPLEGIA, AUTOSOMAL RECESSIVE, WITH MENTAL IMPAIRMENT AND THIN CORPUS CALLOSUM; Spastic Paraplegia 11; Nakamura Osame syndrome; Autosomal recessive hereditary spastic paraplegia, mental impairment, and thin corpus callosum; Spastic paraplegia, mental retardation and thin corpus callosum. Identifiers: Orphanet 2822, MedGen C1858479, MONDO:0011445, OMIM 604360.

Allele frequency attached by ClinVar (database versions not stated): TOPMed below 0.00001; gnomAD exomes 0.00001.
gnomAD v4.1: 6 of 1,612,210 alleles (0.00037%); highest among the groups gnomAD compares: East Asian, 0.0022%; no homozygotes.

Submissions (2):

CeGaT Center for Human Genetics Tuebingen
Classification: Uncertain significance. Last evaluated: 2024-09-01. Review status: criteria provided, single submitter. Criteria: CeGaT Center For Human Genetics Tuebingen Variant Classification Criteria Version 2. Collection method: clinical testing. Allele origin: germline. Affected: yes. Observed: 1 variant allele.
Comment: SPG11: PM2, BP4

Labcorp Genetics (formerly Invitae), Labcorp
Classification: Likely benign for Hereditary spastic paraplegia 11. Last evaluated: 2024-02-17. Review status: criteria provided, single submitter. Criteria: Invitae Variant Classification Sherloc (09022015). Collection method: clinical testing. Allele origin: germline.

NM_025137.4(SPG11):c.2067+7A>G

Gene: SPG11 (SPG11 vesicle trafficking associated, spatacsin; minus strand). Cytogenetic location: 15q21.1.
Variant type: single nucleotide variant.
Coding change: c.2067+7A>G on transcript NM_025137.4 (MANE Select); 7 bases into the intron after coding-DNA position 2067, A replaced by G.
Molecular consequence: intron variant.
Genome position (GRCh38, 1-based): chr15:44,628,662, T>C on the plus strand (A>G on the coding strand, the complement: SPG11 is on the minus strand). VCF-style: chr15-44628662-T-C. GRCh37 (hg19) VCF-style: chr15-44920860-T-C.
Other names: c.2067+7A>G (NM_001160227.2).
Identifiers: ClinVar variation 1106435 (VCV001106435.23), dbSNP rs1360895808, ClinGen allele CA713050378.